The following is an entry in ClinVar:

ClinVar aggregate classification (germline): Uncertain significance (1 of 4 stars; one submission).

Conditions:
Hereditary cancer-predisposing syndrome. Also called: Hereditary Cancer Syndrome; Neoplastic Syndromes, Hereditary; Tumor predisposition; Hereditary neoplastic syndrome. Identifiers: Orphanet 140162, MedGen C0027672, MeSH D009386, MONDO:0015356.

Submission:

Ambry Genetics
Classification: Uncertain significance for Hereditary cancer-predisposing syndrome. Last evaluated: 2025-09-09. Review status: criteria provided, single submitter. Criteria: Ambry Variant Classification Scheme 2023. Collection method: clinical testing. Allele origin: germline.
Comment: The p.I1716L variant (also known as c.5146A>C), located in coding exon 38 of the POLE gene, results from an A to C substitution at nucleotide position 5146. The isoleucine at codon 1716 is replaced by leucine, an amino acid with highly similar properties. This amino acid position is conserved. In addition, this alteration is predicted to be tolerated by in silico analysis. Based on the available evidence, the clinical significance of this variant remains unclear.

NM_006231.4(POLE):c.5146A>C (p.Ile1716Leu)

Gene: POLE (DNA polymerase epsilon, catalytic subunit; minus strand). Cytogenetic location: 12q24.33.
Variant type: single nucleotide variant.
Coding change: c.5146A>C on transcript NM_006231.4 (MANE Select); coding-DNA position 5146, A replaced by C.
Protein change: p.Ile1716Leu; replaces isoleucine 1716 with leucine.
Molecular consequence: missense variant.
Genome position (GRCh38, 1-based): chr12:132,642,204, T>G on the plus strand (A>C on the coding strand, the complement: POLE is on the minus strand). VCF-style: chr12-132642204-T-G. GRCh37 (hg19) VCF-style: chr12-133218790-T-G.
Other names: short protein forms I1716L.
Identifiers: ClinVar variation 1745632 (VCV001745632.3), dbSNP rs2541883307, ClinGen allele CA387376711.